The following is an entry in ClinVar:

NM_013448.3(BAZ1A):c.3694G>A (p.Asp1232Asn)

Gene: BAZ1A (bromodomain adjacent to zinc finger domain 1A; minus strand). Cytogenetic location: 14q13.1.
Variant type: single nucleotide variant.
Coding change: c.3694G>A on transcript NM_013448.3 (MANE Select); coding-DNA position 3694, G replaced by A.
Protein change: p.Asp1232Asn; replaces aspartic acid 1232 with asparagine.
Molecular consequence: missense variant.
Genome position (GRCh38, 1-based): chr14:34,764,789, C>T on the plus strand (G>A on the coding strand, the complement: BAZ1A is on the minus strand). VCF-style: chr14-34764789-C-T. GRCh37 (hg19) VCF-style: chr14-35233995-C-T.
Other names: c.3598G>A, p.Asp1200Asn (NM_182648.2); short protein forms D1200N, D1232N.
Identifiers: ClinVar variation 3056971 (VCV003056971.2), dbSNP rs148410301, ClinGen allele CA7152629.
Genomic context (GRCh38, chr14:34,764,789, plus strand): 5'-AGTCATCTTCATCTTGTTCTACCTCATACTCTTCCTCCTCACTTTGACCTTCTTCTTCAT[C>T]GCCATCAACTTCATCATCCTCACCTCCCATACTGTCTTCCACATCTTCATCACTTTCCAA-3'
Protein context (NP_038476.2, residues 1222-1242): MGGEDDEVDG[Asp1232Asn]EEEGQSEEEE

ClinVar aggregate classification (germline): Likely benign (0 of 4 stars; one submission).

Conditions:
BAZ1A-related disorder. Also called: BAZ1A-related condition.

Allele frequency attached by ClinVar (database versions not stated): ExAC 0.00040; gnomAD 0.00117; TOPMed 0.00119; 1000 Genomes Project 0.00140; ESP Exome Variant Server 0.00169; 1000 Genomes Project 30x 0.00172.
gnomAD v4.1: 302 of 1,610,904 alleles (0.019%); highest among the groups gnomAD compares: African/African-American, 0.37%; 2 homozygotes.

Submission:

PreventionGenetics, part of Exact Sciences
Classification: Likely benign for BAZ1A-related condition. Last evaluated: 2022-08-29. Review status: no assertion criteria provided. Collection method: clinical testing. Allele origin: germline.
Comment: This variant is classified as likely benign based on ACMG/AMP sequence variant interpretation guidelines (Richards et al. 2015 PMID: 25741868, with internal and published modifications).